The following is an entry in ClinVar:

ClinVar aggregate classification (germline): Benign/Likely benign. Review status: criteria provided, multiple submitters, no conflicts (2 of 4 stars). 3 submissions from 3 submitters: Benign (1); Likely benign (2). Last evaluated 2026-06-08.

Conditions:
Hereditary pheochromocytoma and paraganglioma. Also called: Hereditary pheochromocytoma-paraganglioma; Hereditary paragangliomas and pheochromocytomas; Hereditary Paraganglioma-Pheochromocytoma Syndromes. Identifiers: Orphanet 29072, MedGen C4274332, MONDO:0017366.
Pheochromocytoma. Also called: MAX-Related Hereditary Paraganglioma-Pheochromocytoma Syndrome. Identifiers: Orphanet 29072, MedGen C0031511, MONDO:0008233, OMIM 171300, HP:0002666.
Hereditary cancer-predisposing syndrome. Also called: Neoplastic Syndromes, Hereditary; Tumor predisposition; Hereditary Cancer Syndrome; Hereditary neoplastic syndrome. Identifiers: Orphanet 140162, MedGen C0027672, MeSH D009386, MONDO:0015356.

Allele frequency attached by ClinVar (database versions not stated): ExAC 0.00001; gnomAD exomes below 0.00001.
gnomAD v4.1: 2 of 1,614,250 alleles (0.00012%); highest among the groups gnomAD compares: East Asian, 0.0045%; no homozygotes.

Submissions (3):

Myriad Genetics, Inc.
Classification: Benign for Pheochromocytoma. Last evaluated: 2026-06-08. Review status: criteria provided, single submitter. Criteria: Myriad Autosomal Dominant, Autosomal Recessive and X-Linked Classification Criteria (2023). Collection method: clinical testing. Allele origin: unknown.
Comment: This variant is considered benign. This variant is a silent/synonymous amino acid change and it is not expected to impact splicing.

Labcorp Genetics (formerly Invitae), Labcorp
Classification: Likely benign for Hereditary pheochromocytoma and paraganglioma. Last evaluated: 2025-10-13. Review status: criteria provided, single submitter. Criteria: Invitae Variant Classification Sherloc (09022015). Collection method: clinical testing. Allele origin: germline.

Ambry Genetics
Classification: Likely benign for Hereditary cancer-predisposing syndrome. Last evaluated: 2023-05-08. Review status: criteria provided, single submitter. Criteria: Ambry Variant Classification Scheme 2023. Collection method: clinical testing. Allele origin: germline.

NM_002382.5(MAX):c.261C>T (p.Asp87=)

Gene: MAX (MYC associated transcriptional regulator X; minus strand). Cytogenetic location: 14q23.3.
Variant type: single nucleotide variant.
Coding change: c.261C>T on transcript NM_002382.5 (MANE Select); coding-DNA position 261, C replaced by T.
Protein change: p.Asp87=; no amino-acid change (aspartic acid 87 retained).
Molecular consequence: synonymous variant. On other transcripts: 5 prime UTR variant (6), non-coding transcript variant (7), intron variant (2).
Genome position (GRCh38, 1-based): chr14:65,077,947, G>A on the plus strand (C>T on the coding strand, the complement: MAX is on the minus strand). VCF-style: chr14-65077947-G-A. GRCh37 (hg19) VCF-style: chr14-65544665-G-A.
Other names: c.-14C>T (NM_001320415.2, NM_001407105.1, NM_001407106.1 and 1 more transcripts); c.261C>T, p.Asp87= (NM_001407094.1, NM_001407096.1, NM_001407097.1 and 3 more transcripts); c.234C>T, p.Asp78= (NM_001407095.1, NM_001407099.1, NM_001407100.1 and 6 more transcripts); c.153C>T, p.Asp51= (NM_001407098.1); c.-107C>T (NM_001407111.1, NM_001407112.1); c.144+15761C>T (NM_001271069.2); c.171+15761C>T (NM_197957.4).
Identifiers: ClinVar variation 1151294 (VCV001151294.13), dbSNP rs750761201, ClinGen allele CA7232908.
Genomic context (GRCh38, chr14:65,077,947, plus strand): 5'-GCTGCCCCACGAGCTCGGGTGCTCACCTTGCTGCTCCAGAAGAGCATTCTGCCGCTTGAG[G>A]TCGTCAATATCTTGCTGGTGTGTGTGGTTTTTCCTTCGCATATACTGGATATATTCTGTG-3'
Protein context (NP_002373.3, residues 77-97): KNHTHQQDID[Asp87=]LKRQNALLEQ